The following is an entry in ClinVar:

ClinVar aggregate classification (germline): Pathogenic (1 of 4 stars; one submission).

Conditions:
Spermatogenic Failure. Identifiers: MedGen C3553794, MONDO:0004983.

Submission:

Conrad Lab, Oregon Health and Science University
Classification: Pathogenic for Spermatogenic Failure. Last evaluated: 2026-09-29. Review status: criteria provided, single submitter. Criteria: ACMG Guidelines, 2015. Collection method: research. Allele origin: germline. Affected: yes. Observed: 1 variant allele. Study: GEMINI.
Comment: Human DMRT1 deletions and loss-of-function variation have been associated with spermatogenic failure (Lopes et al., PLoS Genetics, 2013;9:e1003349). The predicted gene-disrupting effect and established relevance of DMRT1 to gonadal development and male fertility underpin the submitted Pathogenic interpretation. The reported coordinates are exome-derived minimum bounds; event-specific breakpoint sequencing is not documented.

Single allele

Genes: DMRT1 (doublesex and mab-3 related transcription factor 1; plus strand), KANK1 (KN motif and ankyrin repeat domains 1; plus strand), LOC124210605 (Sharpr-MPRA regulatory region 15053; plus strand), LOC126860554 (MED14-independent group 3 enhancer GRCh37_chr9:737889-739088; plus strand). Cytogenetic location: 9p24.3.
Variant type: Deletion.
Identifiers: ClinVar variation 5021149 (VCV005021149.1).